The following is an entry in ClinVar:

NM_005902.4(SMAD3):c.913G>A (p.Ala305Thr)

Gene: SMAD3 (SMAD family member 3; plus strand). Cytogenetic location: 15q22.33.
Variant type: single nucleotide variant.
Coding change: c.913G>A on transcript NM_005902.4 (MANE Select); coding-DNA position 913, G replaced by A.
Protein change: p.Ala305Thr; replaces alanine 305 with threonine.
Molecular consequence: missense variant.
Genome position (GRCh38, 1-based): chr15:67,184,768, G>A. VCF-style: chr15-67184768-G-A. GRCh37 (hg19) VCF-style: chr15-67477106-G-A.
Other names: c.598G>A, p.Ala200Thr (NM_001145102.2); c.781G>A, p.Ala261Thr (NM_001145103.2); c.328G>A, p.Ala110Thr (NM_001145104.2); short protein forms A305T, A261T, A110T, A200T.
Identifiers: ClinVar variation 543902 (VCV000543902.20), dbSNP rs1348033858, ClinGen allele CA392956855.
Genomic context (GRCh38, chr15:67,184,768, plus strand): 5'-CTAACCTGAATCTCTGTAGGAAGAGGCGTGCGGCTCTACTACATCGGAGGGGAGGTCTTC[G>A]CAGAGTGCCTCAGTGACAGCGCTATTTTTGTCCAGTCTCCCAACTGTAACCAGCGCTATG-3'
Protein context (NP_005893.1, residues 295-315): RLYYIGGEVF[Ala305Thr]ECLSDSAIFV

ClinVar aggregate classification (germline): Uncertain significance. Review status: criteria provided, multiple submitters, no conflicts (2 of 4 stars). 6 submissions from 6 submitters: Uncertain significance (5). 1 of the submissions does not count toward it. Last evaluated 2025-09-10.

Conditions:
Familial thoracic aortic aneurysm and aortic dissection (TAAD). Also called: Thoracic aortic aneurysms and dissections. Identifiers: Orphanet 91387, MedGen C4707243, MONDO:0019625.
SMAD3-related disorder. Also called: SMAD3-related condition.
Aneurysm-osteoarthritis syndrome. Also called: SMAD3-Related Loeys-Dietz Syndrome; ANEURYSMS-OSTEOARTHRITIS SYNDROME; LOEYS-DIETZ SYNDROME WITH OSTEOARTHRITIS; Loeys-Dietz syndrome, type 1C. Identifiers: Orphanet 284984, MedGen C3151087, MONDO:0013426, OMIM 613795.

Allele frequency attached by ClinVar (database versions not stated): gnomAD exomes below 0.00001; TOPMed below 0.00001; gnomAD 0.00001.
gnomAD v4.1: 2 of 1,613,986 alleles (0.00012%); highest among the groups gnomAD compares: Non-Finnish European, 0.00017%; no homozygotes.

Submissions (6):

Color Diagnostics, LLC DBA Color Health
Classification: Uncertain significance for Familial thoracic aortic aneurysm and aortic dissection. Last evaluated: 2025-09-10. Review status: criteria provided, single submitter. Criteria: ACMG Guidelines, 2015. Collection method: clinical testing. Allele origin: germline.
Comment: This missense variant replaces alanine with threonine at codon 305 of the SMAD3 protein. Computational prediction suggests that this variant may have deleterious impact on protein structure and function. To our knowledge, functional studies have not been reported for this variant. This variant has not been reported in individuals affected with SMAD3-related disorders in the literature. This variant has not been identified in the general population by the Genome Aggregation Database (gnomAD). The available evidence is insufficient to determine the role of this variant in disease conclusively. Therefore, this variant is classified as a Variant of Uncertain Significance.

Labcorp Genetics (formerly Invitae), Labcorp
Classification: Uncertain significance for Familial thoracic aortic aneurysm and aortic dissection. Last evaluated: 2025-09-03. Review status: criteria provided, single submitter. Criteria: Invitae Variant Classification Sherloc (09022015). Collection method: clinical testing. Allele origin: germline.
Comment: This sequence change replaces alanine, which is neutral and non-polar, with threonine, which is neutral and polar, at codon 305 of the SMAD3 protein (p.Ala305Thr). This variant is not present in population databases (gnomAD no frequency). This missense change has been observed in individual(s) with Loeys-Dietz syndrome (internal data). ClinVar contains an entry for this variant (Variation ID: 543902). Invitae Evidence Modeling incorporating data from in vitro experimental studies (internal data) indicates that this missense variant is expected to disrupt SMAD3 function with a positive predictive value of 95%. In summary, the available evidence is currently insufficient to determine the role of this variant in disease. Therefore, it has been classified as a Variant of Uncertain Significance.

All of Us Research Program, National Institutes of Health
Classification: Uncertain significance for Aneurysm-osteoarthritis syndrome. Last evaluated: 2024-04-10. Review status: criteria provided, single submitter. Criteria: ACMG Guidelines, 2015. Collection method: clinical testing. Allele origin: germline. Inheritance: Autosomal dominant inheritance. Observed: 2 variant alleles, 2 heterozygotes.
Comment: This missense variant replaces alanine with threonine at codon 305 of the SMAD3 protein. Computational prediction suggests that this variant may have deleterious impact on protein structure and function (internally defined REVEL score threshold >= 0.7, PMID: 27666373). To our knowledge, functional studies have not been reported for this variant. This variant has not been reported in individuals affected with cardiovascular disorders in the literature. This variant has not been identified in the general population by the Genome Aggregation Database (gnomAD). The available evidence is insufficient to determine the role of this variant in disease conclusively. Therefore, this variant is classified as a Variant of Uncertain Significance.

This study involves interpretation of variants in research participants for the purpose of population health screening. Participant phenotype was not available at the time of variant classification. Additional details can be found in publication PMID: 35346344, PMCID: PMC8962531

Ambry Genetics
Classification: Uncertain significance for Familial thoracic aortic aneurysm and aortic dissection. Last evaluated: 2023-06-16. Review status: criteria provided, single submitter. Criteria: Ambry Variant Classification Scheme 2023. Collection method: clinical testing. Allele origin: germline.
Comment: The p.A305T variant (also known as c.913G>A), located in coding exon 7 of the SMAD3 gene, results from a G to A substitution at nucleotide position 913. The alanine at codon 305 is replaced by threonine, an amino acid with similar properties. This amino acid position is highly conserved in available vertebrate species. In addition, this alteration is predicted to be deleterious by in silico analysis. Since supporting evidence is limited at this time, the clinical significance of this alteration remains unclear.

Blueprint Genetics
Classification: Uncertain significance. Last evaluated: 2022-12-27. Review status: criteria provided, single submitter. Criteria: ACMG Guidelines, 2015. Collection method: clinical testing. Allele origin: germline.

PreventionGenetics, part of Exact Sciences
Classification: Uncertain significance for SMAD3-related condition. Last evaluated: 2024-05-23. Review status: no assertion criteria provided. Collection method: clinical testing. Allele origin: germline. Not counted in ClinVar's aggregate classification.
Comment: The SMAD3 c.913G>A variant is predicted to result in the amino acid substitution p.Ala305Thr. To our knowledge, this variant has not been reported in the literature or in a large population database, indicating this variant is rare. At this time, the clinical significance of this variant is uncertain due to the absence of conclusive functional and genetic evidence.